The following is an entry in ClinVar:

NM_024652.6(LRRK1):c.2067+11G>A

Gene: LRRK1 (leucine rich repeat kinase 1; plus strand). Cytogenetic location: 15q26.3.
Variant type: single nucleotide variant.
Coding change: c.2067+11G>A on transcript NM_024652.6 (MANE Select); 11 bases into the intron after coding-DNA position 2067, G replaced by A.
Molecular consequence: intron variant.
Genome position (GRCh38, 1-based): chr15:101,022,608, G>A. VCF-style: chr15-101022608-G-A. GRCh37 (hg19) VCF-style: chr15-101562813-G-A.
Identifiers: ClinVar variation 1899722 (VCV001899722.5), dbSNP rs1356215573, ClinGen allele CA620125743.

ClinVar aggregate classification (germline): Uncertain significance (1 of 4 stars; one submission).

Allele frequency attached by ClinVar (database versions not stated): gnomAD exomes below 0.00001; TOPMed below 0.00001; gnomAD 0.00001.
gnomAD v4.1: 7 of 1,583,812 alleles (0.00044%); highest among the groups gnomAD compares: Middle Eastern, 0.017%; no homozygotes.

Submission:

Labcorp Genetics (formerly Invitae), Labcorp
Classification: Uncertain significance. Last evaluated: 2022-10-13. Review status: criteria provided, single submitter. Criteria: Invitae Variant Classification Sherloc (09022015). Collection method: clinical testing. Allele origin: germline.
Comment: This sequence change falls in intron 15 of the LRRK1 gene. It does not directly change the encoded amino acid sequence of the LRRK1 protein. This variant is present in population databases (no rsID available, gnomAD 0.003%). This variant has not been reported in the literature in individuals affected with LRRK1-related conditions. Algorithms developed to predict the effect of sequence changes on RNA splicing suggest that this variant may disrupt the consensus splice site. In summary, the available evidence is currently insufficient to determine the role of this variant in disease. Therefore, it has been classified as a Variant of Uncertain Significance.